The following is an entry in ClinVar:

ClinVar aggregate classification (germline): Pathogenic (1 of 4 stars; one submission).

Conditions:
Ehlers-Danlos syndrome, classic type, 1 (EDSCL1). Also called: EHLERS-DANLOS SYNDROME, GRAVIS TYPE; EHLERS-DANLOS SYNDROME, SEVERE CLASSIC TYPE; Ehlers-Danlos syndrome, type 1; EDS I; Ehlers-Danlos Syndrome, Classic Type, COL5A1-Related. Identifiers: MedGen C0268335, MONDO:0019567, OMIM 130000.
Osteogenesis imperfecta type I (OI1). Also called: OI, TYPE I; OSTEOGENESIS IMPERFECTA TARDA; OSTEOGENESIS IMPERFECTA WITH BLUE SCLERAE; Osteogenesis imperfecta type 1; Lobstein's Disease; Lobstein disease. Identifiers: Orphanet 216796, Orphanet 666, MedGen C0023931, MONDO:0008146, OMIM 166200. Disease mechanism: loss of function.

Submission:

Labcorp Genetics (formerly Invitae), Labcorp
Classification: Pathogenic for Osteogenesis imperfecta type I; Ehlers-Danlos syndrome, classic type, 1. Last evaluated: 2025-09-05. Review status: criteria provided, single submitter. Criteria: Invitae Variant Classification Sherloc (09022015). Collection method: clinical testing. Allele origin: germline.
Comment: This sequence change replaces glycine, which is neutral and non-polar, with aspartic acid, which is acidic and polar, at codon 145 of the COL1A2 protein (p.Gly145Asp). This variant is not present in population databases (gnomAD no frequency). This missense change has been observed in individual(s) with autosomal dominant osteogenesis imperfecta (internal data). ClinVar contains an entry for this variant (Variation ID: 2033473). Experimental studies and prediction algorithms are not available or were not evaluated, and the functional significance of this variant is currently unknown. This variant disrupts the triple helix domain of COL1A2. Glycine residues within the Gly-Xaa-Yaa repeats of the triple helix domain are required for the structure and stability of fibrillar collagens (PMID: 7695699, 8218237, 19344236). In COL1A2, variants affecting these glycine residues are significantly enriched in individuals with disease (PMID: 9016532, 17078022) compared to the general population (ExAC). For these reasons, this variant has been classified as Pathogenic.

Literature cited by the submitters: PubMed 7695699; PubMed 8218237; PubMed 19344236; PubMed 9016532; PubMed 17078022.

NM_000089.4(COL1A2):c.434G>A (p.Gly145Asp)

Gene: COL1A2 (collagen type I alpha 2 chain; plus strand). Cytogenetic location: 7q21.3.
Variant type: single nucleotide variant.
Coding change: c.434G>A on transcript NM_000089.4 (MANE Select); coding-DNA position 434, G replaced by A.
Protein change: p.Gly145Asp; replaces glycine 145 with aspartic acid.
Molecular consequence: missense variant.
Genome position (GRCh38, 1-based): chr7:94,405,200, G>A. VCF-style: chr7-94405200-G-A. GRCh37 (hg19) VCF-style: chr7-94034512-G-A.
Other names: short protein forms G145D.
Identifiers: ClinVar variation 2033473 (VCV002033473.4), dbSNP rs2484700598, ClinGen allele CA368219761.